The following is an entry in ClinVar:

NM_001009944.3(PKD1):c.9649G>T (p.Asp3217Tyr)

Gene: PKD1 (polycystin 1, transient receptor potential channel interacting; minus strand). Cytogenetic location: 16p13.3.
Variant type: single nucleotide variant.
Coding change: c.9649G>T on transcript NM_001009944.3 (MANE Select); coding-DNA position 9649, G replaced by T.
Protein change: p.Asp3217Tyr; replaces aspartic acid 3217 with tyrosine.
Molecular consequence: missense variant.
Genome position (GRCh38, 1-based): chr16:2,100,229, C>A on the plus strand (G>T on the coding strand, the complement: PKD1 is on the minus strand). VCF-style: chr16-2100229-C-A. GRCh37 (hg19) VCF-style: chr16-2150230-C-A.
Other names: c.9649G>T, p.Asp3217Tyr (NM_000296.4); short protein forms D3217Y.
Identifiers: ClinVar variation 3907682 (VCV003907682.1).
Genomic context (GRCh38, chr16:2,100,229, plus strand): 5'-CGGCCAGCACCTCCTTCTCCACCAGGCCCCCGTTGGCCTCCGTCTCCACCGAAAGCCAGT[C>A]ATTGACCAGGAAGAAGGCGCTGCGTGCCGTCTGCAGGTCCCTGACGATGACGTGCTGCAG-3'
Protein context (NP_001009944.3, residues 3207-3227): TARSAFFLVN[Asp3217Tyr]WLSVETEANG

ClinVar aggregate classification (germline): Uncertain significance (1 of 4 stars; one submission).

Conditions:
Polycystic kidney disease, adult type (PKD1). Also called: Polycystic Kidney Disease 1, Autosomal Dominant; Polycystic kidney disease 1; Polycystic kidney disease 1, severe; Polycystic Kidney, Autosomal Dominant; POLYCYSTIC KIDNEY DISEASE 1 WITH OR WITHOUT POLYCYSTIC LIVER DISEASE; POLYCYSTIC KIDNEY DISEASE, ADULT, TYPE I. Identifiers: MedGen C3149841, MONDO:0008263, OMIM 173900.

Submission:

MVZ Medizinische Genetik Mainz
Classification: Uncertain significance for Polycystic kidney disease, adult type. Last evaluated: 2025-05-15. Review status: criteria provided, single submitter. Criteria: UK Practice Guidelines For Variant Classification V4 01 2020. Collection method: clinical testing. Allele origin: germline. Inheritance: Autosomal dominant inheritance. Affected: yes. Observed: 1 variant allele.
Comment: ACMG Criteria: PM2_SUP,PP3,PP4